The following is an entry in ClinVar:

NM_000426.4(LAMA2):c.7055G>C (p.Ser2352Thr)

Gene: LAMA2 (laminin subunit alpha 2; plus strand). Cytogenetic location: 6q22.33.
Variant type: single nucleotide variant.
Coding change: c.7055G>C on transcript NM_000426.4 (MANE Select); coding-DNA position 7055, G replaced by C.
Protein change: p.Ser2352Thr; replaces serine 2352 with threonine.
Molecular consequence: missense variant.
Genome position (GRCh38, 1-based): chr6:129,464,352, G>C. VCF-style: chr6-129464352-G-C. GRCh37 (hg19) VCF-style: chr6-129785497-G-C.
Other names: c.7055G>C (NM_000426.3); c.7055G>C, p.Ser2352Thr (NM_001079823.2); short protein forms S2352T.
Identifiers: ClinVar variation 1014560 (VCV001014560.10), dbSNP rs779524640, ClinGen allele CA3994426.

ClinVar aggregate classification (germline): Conflicting classifications of pathogenicity. Review status: criteria provided, conflicting classifications (1 of 4 stars). 2 submissions from 2 submitters: Uncertain significance (1); Likely benign (1). Last evaluated 2025-03-01.

Conditions:
LAMA2-related disorder. Also called: LAMA2-related condition; LAMA2-related disorders.
LAMA2-related muscular dystrophy (LAMA2-RD). Also called: Laminin alpha 2-related dystrophy. Identifiers: MedGen C5679788, MONDO:0100228.

Allele frequency attached by ClinVar (database versions not stated): TOPMed 0.00001; ExAC 0.00002; gnomAD exomes 0.00005.
gnomAD v4.1: 51 of 1,611,924 alleles (0.0032%); highest among the groups gnomAD compares: South Asian, 0.031%; no homozygotes.

Submissions (2):

Labcorp Genetics (formerly Invitae), Labcorp
Classification: Likely benign for LAMA2-related muscular dystrophy. Last evaluated: 2025-03-01. Review status: criteria provided, single submitter. Criteria: Invitae Variant Classification Sherloc (09022015). Collection method: clinical testing. Allele origin: germline.

PreventionGenetics, part of Exact Sciences
Classification: Uncertain significance for LAMA2-related condition. Last evaluated: 2024-12-23. Review status: criteria provided, single submitter. Criteria: ACMG Guidelines, 2015. Collection method: clinical testing. Allele origin: germline.
Comment: The LAMA2 c.7055G>C variant is predicted to result in the amino acid substitution p.Ser2352Thr. To our knowledge, this variant has not been reported in the literature. This variant is reported in 0.039% of alleles in individuals of South Asian descent in gnomAD. At this time, the clinical significance of this variant is uncertain due to the absence of conclusive functional and genetic evidence.